The following is an entry in ClinVar:

ClinVar aggregate classification (germline): Uncertain significance (1 of 4 stars; one submission).

Allele frequency attached by ClinVar (database versions not stated): gnomAD exomes below 0.00001.
gnomAD v4.1: 2 of 1,613,510 alleles (0.00012%); highest among the groups gnomAD compares: Non-Finnish European, 0.00017%; no homozygotes.

Submission:

Labcorp Genetics (formerly Invitae), Labcorp
Classification: Uncertain significance. Last evaluated: 2022-10-07. Review status: criteria provided, single submitter. Criteria: Invitae Variant Classification Sherloc (09022015). Collection method: clinical testing. Allele origin: germline.
Comment: In summary, the available evidence is currently insufficient to determine the role of this variant in disease. Therefore, it has been classified as a Variant of Uncertain Significance. Variants that disrupt the consensus splice site are a relatively common cause of aberrant splicing (PMID: 17576681, 9536098). Algorithms developed to predict the effect of sequence changes on RNA splicing suggest that this variant is not likely to affect RNA splicing. This variant has not been reported in the literature in individuals affected with ATR-related conditions. This variant is not present in population databases (gnomAD no frequency). This sequence change falls in intron 17 of the ATR gene. It does not directly change the encoded amino acid sequence of the ATR protein. It affects a nucleotide within the consensus splice site.

Literature cited by the submitters: PubMed 17576681; PubMed 9536098.

NM_001184.4(ATR):c.3451-3T>C

Gene: ATR (ATR checkpoint kinase; minus strand). Cytogenetic location: 3q23.
Variant type: single nucleotide variant.
Coding change: c.3451-3T>C on transcript NM_001184.4 (MANE Select); 3 bases into the intron before coding-DNA position 3451, T replaced by C.
Molecular consequence: intron variant.
Genome position (GRCh38, 1-based): chr3:142,541,037, A>G on the plus strand (T>C on the coding strand, the complement: ATR is on the minus strand). VCF-style: chr3-142541037-A-G. GRCh37 (hg19) VCF-style: chr3-142259879-A-G.
Other names: c.3259-3T>C (NM_001354579.2).
Identifiers: ClinVar variation 2151596 (VCV002151596.4), dbSNP rs2473328725, ClinGen allele CA2577925267.